The following is an entry in ClinVar:

NM_001283009.2(RTEL1):c.13G>A (p.Val5Ile)

Genes: RTEL1 (regulator of telomere elongation helicase 1; plus strand), RTEL1-TNFRSF6B (RTEL1-TNFRSF6B readthrough (NMD candidate); plus strand). Cytogenetic location: 20q13.33.
Variant type: single nucleotide variant.
Coding change: c.13G>A on transcript NM_001283009.2 (MANE Select); coding-DNA position 13, G replaced by A.
Protein change: p.Val5Ile; replaces valine 5 with isoleucine.
Molecular consequence: missense variant. On other transcripts: non-coding transcript variant (1), intron variant (1).
Genome position (GRCh38, 1-based): chr20:63,659,415, G>A. VCF-style: chr20-63659415-G-A. GRCh37 (hg19) VCF-style: chr20-62290768-G-A.
Other names: c.13G>A, p.Val5Ile (NM_016434.4, NM_032957.5); c.-568+956G>A (NM_001283010.1); short protein forms V5I.
Identifiers: ClinVar variation 3948239 (VCV003948239.1).

ClinVar aggregate classification (germline): Uncertain significance (1 of 4 stars; one submission).

Conditions:
Inborn genetic diseases. Identifiers: MedGen C0950123, MeSH D030342.

Submission:

Ambry Genetics
Classification: Uncertain significance for Inborn genetic diseases. Last evaluated: 2025-03-22. Review status: criteria provided, single submitter. Criteria: Ambry Variant Classification Scheme 2023. Collection method: clinical testing. Allele origin: germline.
Comment: The p.V5I variant (also known as c.13G>A), located in coding exon 1 of the RTEL1 gene, results from a G to A substitution at nucleotide position 13. The valine at codon 5 is replaced by isoleucine, an amino acid with highly similar properties. This amino acid position is conserved. In addition, this alteration is predicted to be tolerated by in silico analysis. Based on the available evidence, the clinical significance of this variant remains unclear.